The following is an entry in ClinVar:

ClinVar aggregate classification (germline): Likely benign. Review status: criteria provided, multiple submitters, no conflicts (2 of 4 stars). 2 submissions from 2 submitters: Likely benign (2). Last evaluated 2025-01-29.

Conditions:
Lynch syndrome 4 (LYNCH4). Also called: Colorectal cancer, hereditary nonpolyposis, type 4; Hereditary non-polyposis colorectal cancer, type 4. Identifiers: Orphanet 144, MedGen C1838333, MONDO:0013699, OMIM 614337. Disease mechanism: loss of function.
Hereditary nonpolyposis colorectal neoplasms. Identifiers: MedGen C0009405, MeSH D003123.

Submissions (2):

Myriad Genetics, Inc.
Classification: Likely benign for Lynch syndrome 4. Last evaluated: 2025-01-29. Review status: criteria provided, single submitter. Criteria: Myriad Autosomal Dominant, Autosomal Recessive and X-Linked Classification Criteria (2023). Collection method: clinical testing. Allele origin: unknown.
Comment: This variant is considered likely benign. This variant is intronic and is not expected to impact mRNA splicing.

Labcorp Genetics (formerly Invitae), Labcorp
Classification: Likely benign for Hereditary nonpolyposis colorectal neoplasms. Last evaluated: 2024-10-16. Review status: criteria provided, single submitter. Criteria: Invitae Variant Classification Sherloc (09022015). Collection method: clinical testing. Allele origin: germline.

NM_000535.7(PMS2):c.1145-12A>G

Gene: PMS2 (PMS1 homolog 2, mismatch repair system component; minus strand). Cytogenetic location: 7p22.1.
Variant type: single nucleotide variant.
Coding change: c.1145-12A>G on transcript NM_000535.7 (MANE Select); 12 bases into the intron before coding-DNA position 1145, A replaced by G.
Molecular consequence: intron variant.
Genome position (GRCh38, 1-based): chr7:5,987,632, T>C on the plus strand (A>G on the coding strand, the complement: PMS2 is on the minus strand). VCF-style: chr7-5987632-T-C. GRCh37 (hg19) VCF-style: chr7-6027263-T-C.
Other names: c.1145-12A>G (NM_001406872.1, NM_001406871.1, NM_001322014.2); c.836-12A>G (NM_001406878.1, NM_001406882.1, NM_001406875.1 and 5 more transcripts); c.1169-12A>G (NM_001406868.1); c.740-12A>G (NM_001406891.1, NM_001406899.1, NM_001406893.1 and 16 more transcripts); c.1331-12A>G (NM_001406866.1); c.827-12A>G (NM_001322008.2, NM_001406883.1, NM_001406903.1 and 2 more transcripts); c.374-12A>G (NM_001406911.1); c.584-12A>G (NM_001322010.2, NM_001406906.1, NM_001406907.1); and 13 more.
Identifiers: ClinVar variation 3722964 (VCV003722964.3).